The following is an entry in ClinVar:

NM_001276345.2(TNNT2):c.778C>T (p.Leu260=)

Gene: TNNT2 (troponin T2, cardiac type; minus strand). Cytogenetic location: 1q32.1.
Variant type: single nucleotide variant.
Coding change: c.778C>T on transcript NM_001276345.2 (MANE Select); coding-DNA position 778, C replaced by T.
Protein change: p.Leu260=; no amino-acid change (leucine 260 retained).
Molecular consequence: synonymous variant.
Genome position (GRCh38, 1-based): chr1:201,361,311, G>A on the plus strand (C>T on the coding strand, the complement: TNNT2 is on the minus strand). VCF-style: chr1-201361311-G-A. GRCh37 (hg19) VCF-style: chr1-201330439-G-A.
Other names: c.769C>T, p.Leu257= (NM_000364.4); c.748C>T, p.Leu250= (NM_001001430.3, NM_001276347.2); c.739C>T, p.Leu247= (NM_001001431.3); c.730C>T, p.Leu244= (NM_001001432.3); c.649C>T, p.Leu217= (NM_001276346.2).
Identifiers: ClinVar variation 537264 (VCV000537264.12), dbSNP rs977853063, ClinGen allele CA35418002.

ClinVar aggregate classification (germline): Likely benign. Review status: criteria provided, multiple submitters, no conflicts (2 of 4 stars). 6 submissions from 4 submitters: Likely benign (6). Last evaluated 2024-07-20.

Conditions:
Hypertrophic cardiomyopathy 2. Also called: TNNT2-Related Familial Hypertrophic Cardiomyopathy. Identifiers: MedGen C1861864, MONDO:0007266, OMIM 115195.
Cardiomyopathy, familial restrictive, 3. Identifiers: Orphanet 75249, MedGen C2676271, MONDO:0012900, OMIM 612422.
Dilated cardiomyopathy 1D. Identifiers: Orphanet 154, Orphanet 54260, MedGen C1832243, MONDO:0011095, OMIM 601494.
Cardiomyopathy (CMYO). Also called: Cardiomyopathies. Identifiers: Orphanet 167848, MedGen C0878544, MONDO:0004994, HP:0001638. Inheritance: Various modes of inheritance.
Cardiovascular phenotype. Identifiers: MedGen CN230736.

Allele frequency attached by ClinVar (database versions not stated): TOPMed below 0.00001; gnomAD 0.00001; gnomAD exomes 0.00001.
gnomAD v4.1: 12 of 1,614,024 alleles (0.00074%); highest among the groups gnomAD compares: South Asian, 0.0033%; no homozygotes.

Submissions (6):

All of Us Research Program, National Institutes of Health
Classification: Likely benign for Cardiomyopathy. Last evaluated: 2024-07-20. Review status: criteria provided, single submitter. Criteria: ACMG Guidelines, 2015. Collection method: clinical testing. Allele origin: germline. Inheritance: Autosomal dominant inheritance. Observed: 2 variant alleles, 2 heterozygotes.
Comment: This study involves interpretation of variants in research participants for the purpose of population health screening. Participant phenotype was not available at the time of variant classification. Additional details can be found in publication PMID: 35346344, PMCID: PMC8962531

Labcorp Genetics (formerly Invitae), Labcorp
Classification: Likely benign for Cardiomyopathy, familial restrictive, 3; Hypertrophic cardiomyopathy 2; Dilated cardiomyopathy 1D. Last evaluated: 2024-07-10. Review status: criteria provided, single submitter. Criteria: Invitae Variant Classification Sherloc (09022015). Collection method: clinical testing. Allele origin: germline.

Genome-Nilou Lab
Classification: Likely benign for Dilated cardiomyopathy 1D. Last evaluated: 2023-04-11. Review status: criteria provided, single submitter. Criteria: ACMG Guidelines, 2015. Collection method: clinical testing. Allele origin: germline. Affected: no.

Genome-Nilou Lab
Classification: Likely benign for Cardiomyopathy, familial restrictive, 3. Last evaluated: 2023-04-11. Review status: criteria provided, single submitter. Criteria: ACMG Guidelines, 2015. Collection method: clinical testing. Allele origin: germline. Affected: no.

Genome-Nilou Lab
Classification: Likely benign for Hypertrophic cardiomyopathy 2. Last evaluated: 2023-04-11. Review status: criteria provided, single submitter. Criteria: ACMG Guidelines, 2015. Collection method: clinical testing. Allele origin: germline. Affected: no.

Ambry Genetics
Classification: Likely benign for Cardiovascular phenotype. Last evaluated: 2021-10-24. Review status: criteria provided, single submitter. Criteria: Ambry Variant Classification Scheme 2023. Collection method: clinical testing. Allele origin: germline.